The following is an entry in ClinVar:

NM_002528.7(NTHL1):c.338C>G (p.Ser113Cys)

Gene: NTHL1 (nth like DNA glycosylase 1; minus strand). Cytogenetic location: 16p13.3.
Variant type: single nucleotide variant.
Coding change: c.338C>G on transcript NM_002528.7 (MANE Select); coding-DNA position 338, C replaced by G.
Protein change: p.Ser113Cys; replaces serine 113 with cysteine.
Molecular consequence: missense variant. On other transcripts: intron variant (1).
Genome position (GRCh38, 1-based): chr16:2,046,144, G>C on the plus strand (C>G on the coding strand, the complement: NTHL1 is on the minus strand). VCF-style: chr16-2046144-G-C. GRCh37 (hg19) VCF-style: chr16-2096145-G-C.
Other names: c.338C>G, p.Ser113Cys (NM_001318193.2); c.24+136C>G (NM_001318194.2); short protein forms S113C.
Identifiers: ClinVar variation 1026339 (VCV001026339.12), dbSNP rs375347841, ClinGen allele CA7828321.

ClinVar aggregate classification (germline): Uncertain significance. Review status: criteria provided, multiple submitters, no conflicts (2 of 4 stars). 3 submissions from 3 submitters: Uncertain significance (3). Last evaluated 2025-09-22.

Conditions:
Hereditary cancer-predisposing syndrome. Also called: Neoplastic Syndromes, Hereditary; Tumor predisposition; Hereditary Cancer Syndrome; Hereditary neoplastic syndrome. Identifiers: Orphanet 140162, MedGen C0027672, MeSH D009386, MONDO:0015356.

Allele frequency attached by ClinVar (database versions not stated): gnomAD exomes below 0.00001; ExAC 0.00001; TOPMed 0.00002; gnomAD 0.00003; ESP Exome Variant Server 0.00008.

Submissions (3):

Labcorp Genetics (formerly Invitae), Labcorp
Classification: Uncertain significance. Last evaluated: 2025-09-22. Review status: criteria provided, single submitter. Criteria: Invitae Variant Classification Sherloc (09022015). Collection method: clinical testing. Allele origin: germline.
Comment: This sequence change replaces serine, which is neutral and polar, with cysteine, which is neutral and slightly polar, at codon 121 of the NTHL1 protein (p.Ser121Cys). This variant is present in population databases (rs375347841, gnomAD 0.008%). This variant has not been reported in the literature in individuals affected with NTHL1-related conditions. ClinVar contains an entry for this variant (Variation ID: 1026339). An algorithm developed to predict the effect of missense changes on protein structure and function (PolyPhen-2) suggests that this variant is likely to be disruptive. In summary, the available evidence is currently insufficient to determine the role of this variant in disease. Therefore, it has been classified as a Variant of Uncertain Significance.

Ambry Genetics
Classification: Uncertain significance for Hereditary cancer-predisposing syndrome. Last evaluated: 2024-01-17. Review status: criteria provided, single submitter. Criteria: Ambry Variant Classification Scheme 2023. Collection method: clinical testing. Allele origin: germline.
Comment: The p.S121C variant (also known as c.362C>G), located in coding exon 2 of the NTHL1 gene, results from a C to G substitution at nucleotide position 362. The serine at codon 121 is replaced by cysteine, an amino acid with dissimilar properties. This amino acid position is conserved. In addition, this alteration is predicted to be tolerated by in silico analysis. Since supporting evidence is limited at this time, the clinical significance of this alteration remains unclear.

GeneDx
Classification: Uncertain significance. Last evaluated: 2019-05-09. Review status: criteria provided, single submitter. Criteria: GeneDx Variant Classification Process June 2021. Collection method: clinical testing. Allele origin: germline. Affected: yes.
Comment: Not observed at a significant frequency in large population cohorts (Lek et al., 2016); In silico analysis, which includes protein predictors and evolutionary conservation, supports a deleterious effect; Has not been previously published as pathogenic or benign to our knowledge